The following is an entry in ClinVar:

NM_006231.4(POLE):c.4742_4764dup (p.Ser1589fs)

Gene: POLE (DNA polymerase epsilon, catalytic subunit; minus strand). Cytogenetic location: 12q24.33.
Variant type: Duplication.
Coding change: c.4742_4764dup on transcript NM_006231.4 (MANE Select); coding-DNA positions 4742 to 4764, 23 bases duplicated (GGCCCACACTCATCGCTGTTCAG).
Protein change: p.Ser1589fs; shifts the reading frame from serine 1589.
Molecular consequence: frameshift variant.
Genome position (GRCh38, 1-based): chr12:132,642,694-132,642,716, CTGAACAGCGATGAGTGTGGGCC duplicated on the plus strand (GGCCCACACTCATCGCTGTTCAG on the coding strand, the reverse complement: POLE is on the minus strand); duplicating any 23 consecutive bases within chr12:132,642,694-132,642,717 gives the same sequence; the c. name uses the placement nearest the transcript's 3' end. VCF-style (leftmost placement, unchanged base first): chr12-132642693-A-ACTGAACAGCGATGAGTGTGGGCC. GRCh37 (hg19) VCF-style: chr12-133219279-A-ACTGAACAGCGATGAGTGTGGGCC.
Other names: short protein forms S1589fs.
Identifiers: ClinVar variation 4141171 (VCV004141171.1).

ClinVar aggregate classification (germline): Uncertain significance (1 of 4 stars; one submission).

Conditions:
Hereditary cancer-predisposing syndrome. Also called: Hereditary neoplastic syndrome; Neoplastic Syndromes, Hereditary; Tumor predisposition; Hereditary Cancer Syndrome. Identifiers: Orphanet 140162, MedGen C0027672, MeSH D009386, MONDO:0015356.

Submission:

Ambry Genetics
Classification: Uncertain significance for Hereditary cancer-predisposing syndrome. Last evaluated: 2025-07-22. Review status: criteria provided, single submitter. Criteria: Ambry Variant Classification Scheme 2023. Collection method: clinical testing. Allele origin: germline.
Comment: The c.4742_4764dup23 variant, located in coding exon 37 of the POLE gene, results from a duplication of GGCCCACACTCATCGCTGTTCAG at nucleotide position 4742, causing a translational frameshift with a predicted alternate stop codon (p.S1589Gfs*13). This alteration is expected to result in loss of function by premature protein truncation or nonsense-mediated mRNA decay. Although biallelic loss of function of POLE has been associated with autosomal recessive POLE deficiency, haploinsufficiency of POLE has not been established as a mechanism of disease for POLE-related polymerase proofreading-associated polyposis (PPAP) and POLE-related CMMRD-like syndrome. Based on the supporting evidence, this variant is expected to be causative of POLE deficiency when present along with a second pathogenic variant on the other allele; however, its clinical significance for PPAP and POLE-related CMMRD-like syndrome is unclear.